The following is an entry in ClinVar:

ClinVar aggregate classification (germline): Likely pathogenic (1 of 4 stars; one submission).

Conditions:
Hereditary cancer-predisposing syndrome. Also called: Hereditary neoplastic syndrome; Tumor predisposition; Neoplastic Syndromes, Hereditary; Hereditary Cancer Syndrome. Identifiers: Orphanet 140162, MedGen C0027672, MeSH D009386, MONDO:0015356.

Submission:

Ambry Genetics
Classification: Likely pathogenic for Hereditary cancer-predisposing syndrome. Last evaluated: 2026-01-09. Review status: criteria provided, single submitter. Criteria: Ambry Variant Classification Scheme 2023. Collection method: clinical testing. Allele origin: germline.
Comment: The c.256_258delACT variant (also known as p.T86del) is located in coding exon 3 of the SDHB gene. This variant results from an in-frame ACT deletion at nucleotide positions 256 to 258. This results in the in-frame deletion of a threonine at codon 86. This variant was reported in individual(s) with features consistent with SDHB-related hereditary pheochromocytoma-paraganglioma (Ambry internal data). This amino acid position is highly conserved in available vertebrate species and the impacted region is critical for protein function (Ambry internal data). In addition, this alteration is predicted to be deleterious by in silico analysis (Choi Y et al. PLoS ONE. 2012; 7(10):e46688). This variant is considered to be rare based on population cohorts in the Genome Aggregation Database (gnomAD). Based on the majority of available evidence to date, this variant is likely to be pathogenic.

NM_003000.3(SDHB):c.256_258del (p.Thr86del)

Gene: SDHB (succinate dehydrogenase complex iron sulfur subunit B; minus strand). Cytogenetic location: 1p36.13.
Variant type: Deletion.
Coding change: c.256_258del on transcript NM_003000.3 (MANE Select); coding-DNA positions 256 to 258, 3 bases deleted (ACT; older notation c.256_258delACT).
Protein change: p.Thr86del; deletes threonine 86.
Molecular consequence: inframe deletion. On other transcripts: inframe indel (1).
Genome position (GRCh38, 1-based): chr1:17,033,088-17,033,090, AGT deleted on the plus strand (ACT on the coding strand, the reverse complement: SDHB is on the minus strand); deleting any 3 consecutive bases within chr1:17,033,088-17,033,092 gives the same sequence; the c. name uses the placement nearest the transcript's 3' end. VCF-style (leftmost placement, unchanged base first): chr1-17033087-AAGT-A. GRCh37 (hg19) VCF-style: chr1-17359582-AAGT-A.
Other names: c.256_258delACT (NM_003000.2); c.256_258del, p.Thr86del (NM_001407361.1); short protein forms T86del.
Identifiers: ClinVar variation 3316887 (VCV003316887.2).
Genomic context (GRCh38, chr1:17,033,087, plus strand): 5'-GTATCTGGAGCCCAACAGGAATGAAATGCTCACCTTCTCTGCATGATCTTCGGAAGGTCA[AAGT>A]AGAGTCAACTTCATTCTTAATCTTGATTAAAGCATCCAATACCATGGGGCCACATCTAAC-3'